The following is an entry in ClinVar:

ClinVar aggregate classification (germline): Uncertain significance (1 of 4 stars; one submission).

Submission:

Ambry Genetics
Classification: Uncertain significance. Last evaluated: 2023-11-09. Review status: criteria provided, single submitter. Criteria: Ambry Variant Classification Scheme 2023. Collection method: clinical testing. Allele origin: germline.
Comment: The p.F3942V variant (also known as c.11824T>G), located in coding exon 83 of the PRKDC gene, results from a T to G substitution at nucleotide position 11824. The phenylalanine at codon 3942 is replaced by valine, an amino acid with highly similar properties. This amino acid position is conserved. In addition, this alteration is predicted to be deleterious by in silico analysis. Since supporting evidence is limited at this time, the clinical significance of this alteration remains unclear.

NM_006904.7(PRKDC):c.11824T>G (p.Phe3942Val)

Gene: PRKDC (protein kinase, DNA-activated, catalytic subunit; minus strand). Cytogenetic location: 8q11.21.
Variant type: single nucleotide variant.
Coding change: c.11824T>G on transcript NM_006904.7 (MANE Select); coding-DNA position 11824, T replaced by G.
Protein change: p.Phe3942Val; replaces phenylalanine 3942 with valine.
Molecular consequence: missense variant.
Genome position (GRCh38, 1-based): chr8:47,778,488, A>C on the plus strand (T>G on the coding strand, the complement: PRKDC is on the minus strand). VCF-style: chr8-47778488-A-C. GRCh37 (hg19) VCF-style: chr8-48691049-A-C.
Other names: c.11731T>G, p.Phe3911Val (NM_001081640.2); short protein forms F3911V, F3942V.
Identifiers: ClinVar variation 3225726 (VCV003225726.1), dbSNP rs2551859873, ClinGen allele CA371128484.